The following is an entry in ClinVar:

ClinVar aggregate classification (germline): Uncertain significance (1 of 4 stars; one submission).

gnomAD v4.1: 7 of 1,614,218 alleles (0.00043%); highest among the groups gnomAD compares: Admixed American, 0.005%; no homozygotes.

Submission:

Labcorp Genetics (formerly Invitae), Labcorp
Classification: Uncertain significance. Last evaluated: 2024-08-26. Review status: criteria provided, single submitter. Criteria: Invitae Variant Classification Sherloc (09022015). Collection method: clinical testing. Allele origin: germline.
Comment: This sequence change replaces leucine, which is neutral and non-polar, with phenylalanine, which is neutral and non-polar, at codon 195 of the ANKH protein (p.Leu195Phe). This variant is present in population databases (no rsID available, gnomAD 0.006%). This variant has not been reported in the literature in individuals affected with ANKH-related conditions. ClinVar contains an entry for this variant (Variation ID: 1450258). Invitae Evidence Modeling of protein sequence and biophysical properties (such as structural, functional, and spatial information, amino acid conservation, physicochemical variation, residue mobility, and thermodynamic stability) indicates that this missense variant is expected to disrupt ANKH protein function with a positive predictive value of 80%. In summary, the available evidence is currently insufficient to determine the role of this variant in disease. Therefore, it has been classified as a Variant of Uncertain Significance.

NM_054027.6(ANKH):c.583C>T (p.Leu195Phe)

Gene: ANKH (ANKH inorganic pyrophosphate transport regulator; minus strand). Cytogenetic location: 5p15.2.
Variant type: single nucleotide variant.
Coding change: c.583C>T on transcript NM_054027.6 (MANE Select); coding-DNA position 583, C replaced by T.
Protein change: p.Leu195Phe; replaces leucine 195 with phenylalanine.
Molecular consequence: missense variant.
Genome position (GRCh38, 1-based): chr5:14,751,173, G>A on the plus strand (C>T on the coding strand, the complement: ANKH is on the minus strand). VCF-style: chr5-14751173-G-A. GRCh37 (hg19) VCF-style: chr5-14751282-G-A.
Other names: short protein forms L195F.
Identifiers: ClinVar variation 1450258 (VCV001450258.8), dbSNP rs765385239, ClinGen allele CA359248299.
Genomic context (GRCh38, chr5:14,751,173, plus strand): 5'-TCTTGTAGTAGCCCAGGCACAGGGTGGTGCAGCGCACAAGTGCGCCCATGTACAAGGAGA[G>A]GATCGGGATGAGCAGGGGCTCCCGGCATTCCAGGTGACTGTGAAGCAAAATGGCTACAAA-3'
Protein context (NP_473368.1, residues 185-205): ECREPLLIPI[Leu195Phe]SLYMGALVRC